The following is an entry in ClinVar:

ClinVar aggregate classification (germline): Uncertain significance (1 of 4 stars; one submission).

gnomAD v4.1: 5 of 1,601,174 alleles (0.00031%); highest among the groups gnomAD compares: African/African-American, 0.0054%; no homozygotes.

Submission:

Ambry Genetics
Classification: Uncertain significance. Last evaluated: 2025-02-07. Review status: criteria provided, single submitter. Criteria: Ambry Variant Classification Scheme 2023. Collection method: clinical testing. Allele origin: germline.
Comment: The p.A1166V variant (also known as c.3497C>T), located in coding exon 14 of the WNK2 gene, results from a C to T substitution at nucleotide position 3497. The alanine at codon 1166 is replaced by valine, an amino acid with similar properties. This amino acid position is conserved. In addition, this alteration is predicted to be tolerated by in silico analysis. Based on the available evidence, the clinical significance of this variant remains unclear.

NM_006648.4(WNK2):c.3497C>T (p.Ala1166Val)

Gene: WNK2 (WNK lysine deficient protein kinase 2; plus strand). Cytogenetic location: 9q22.31.
Variant type: single nucleotide variant.
Coding change: c.3497C>T on transcript NM_006648.4 (MANE Select); coding-DNA position 3497, C replaced by T.
Protein change: p.Ala1166Val; replaces alanine 1166 with valine.
Molecular consequence: missense variant.
Genome position (GRCh38, 1-based): chr9:93,263,652, C>T. VCF-style: chr9-93263652-C-T. GRCh37 (hg19) VCF-style: chr9-96025934-C-T.
Other names: c.3497C>T, p.Ala1166Val (NM_001282394.3); short protein forms A1166V.
Identifiers: ClinVar variation 3817025 (VCV003817025.1).